The following is an entry in ClinVar:

NM_001378615.1(CC2D2A):c.2004-17A>G

Genes: CC2D2A (coiled-coil and C2 domain containing 2A; plus strand), FBXL5 (F-box and leucine rich repeat protein 5; minus strand). Cytogenetic location: 4p15.32.
Variant type: single nucleotide variant.
Coding change: c.2004-17A>G on transcript NM_001378615.1 (MANE Select); 17 bases into the intron before coding-DNA position 2004, A replaced by G.
Molecular consequence: intron variant.
Genome position (GRCh38, 1-based): chr4:15,540,820, A>G. VCF-style: chr4-15540820-A-G. GRCh37 (hg19) VCF-style: chr4-15542443-A-G.
Other names: c.2004-17A>G (NM_001080522.2); c.1857-17A>G (NM_001378617.1).
Identifiers: ClinVar variation 1554659 (VCV001554659.9), dbSNP rs759192059, ClinGen allele CA2863819.

ClinVar aggregate classification (germline): Pathogenic/Likely pathogenic. Review status: criteria provided, multiple submitters, no conflicts (2 of 4 stars). 2 submissions from 2 submitters: Pathogenic (1); Likely pathogenic (1). Last evaluated 2025-08-18.

Conditions:
Joubert syndrome. Also called: JOUBERT-BOLTSHAUSER SYNDROME; Familial aplasia of the vermis. Identifiers: Orphanet 475, MedGen C5979921, MONDO:0018772.
Meckel-Gruber syndrome. Also called: DYSENCEPHALIA SPLANCHNOCYSTICA; GRUBER SYNDROME; Dysencephalia splachnocystica. Identifiers: Orphanet 564, MedGen C0265215, MONDO:0018921.
Meckel syndrome, type 6. Identifiers: Orphanet 564, MedGen C2676790, MONDO:0012848, OMIM 612284.

Allele frequency attached by ClinVar (database versions not stated): gnomAD exomes below 0.00001 and 0.00001.
gnomAD v4.1: 4 of 1,587,560 alleles (0.00025%); highest among the groups gnomAD compares: Admixed American, 0.0036%; no homozygotes.

Submissions (2):

Labcorp Genetics (formerly Invitae), Labcorp
Classification: Pathogenic for Joubert syndrome; Meckel-Gruber syndrome. Last evaluated: 2025-08-18. Review status: criteria provided, single submitter. Criteria: Invitae Variant Classification Sherloc (09022015). Collection method: clinical testing. Allele origin: germline.
Comment: This sequence change falls in intron 17 of the CC2D2A gene. It does not directly change the encoded amino acid sequence of the CC2D2A protein. This variant is present in population databases (rs759192059, gnomAD 0.007%). This variant has been observed in individual(s) with Joubert syndrome (PMID: 39394465; internal data). In at least one individual the data is consistent with being in trans (on the opposite chromosome) from a pathogenic variant. ClinVar contains an entry for this variant (Variation ID: 1554659). Studies have shown that this variant alters mRNA splicing and is expected to lead to the loss of protein expression (PMID: 39394465). For these reasons, this variant has been classified as Pathogenic.

Women's Health and Genetics/Laboratory Corporation of America, LabCorp
Classification: Likely pathogenic for Meckel syndrome, type 6. Last evaluated: 2025-03-21. Review status: criteria provided, single submitter. Criteria: LabCorp Variant Classification Summary - May 2015. Collection method: clinical testing. Allele origin: germline.
Comment: Variant summary: CC2D2A c.2004-17A>G alters a non-conserved nucleotide located at a position not widely known to affect splicing. Several computational tools predict a significant impact on normal splicing: Three predict the variant has no significant impact on splicing. One predicts the variant weakens a 3' acceptor site. Three predict the variant creates a 5' donor site. At least one publication reports experimental evidence that this variant affects mRNA splicing by creating a new acceptor splice site, leading to the insertion of 16 nucleotides from intron 17 and a predicted frameshift (D'Abrusco_2025). The variant allele was found at a frequency of 9.5e-06 in 211016 control chromosomes. c.2004-17A>G has been reported in the compound heterozygous state in the literature in an individual with a clinical presentation consistent with a CC2D2A-related disorder (D'Abrusco_2025). The following publication has been ascertained in the context of this evaluation (PMID: 39394465). ClinVar contains an entry for this variant (Variation ID: 1554659). Based on the evidence outlined above, the variant was classified as likely pathogenic.

Literature cited by the submitters: PubMed 39394465 (cited by Labcorp Genetics (formerly Invitae), Labcorp and Women's Health and Genetics/Laboratory Corporation of America, LabCorp).